The following is an entry in ClinVar:

NM_000138.5(FBN1):c.4157C>T (p.Ser1386Phe)

Gene: FBN1 (fibrillin 1; minus strand). Cytogenetic location: 15q21.1.
Variant type: single nucleotide variant.
Coding change: c.4157C>T on transcript NM_000138.5 (MANE Select); coding-DNA position 4157, C replaced by T.
Protein change: p.Ser1386Phe; replaces serine 1386 with phenylalanine.
Molecular consequence: missense variant.
Genome position (GRCh38, 1-based): chr15:48,474,308, G>A on the plus strand (C>T on the coding strand, the complement: FBN1 is on the minus strand). VCF-style: chr15-48474308-G-A. GRCh37 (hg19) VCF-style: chr15-48766505-G-A.
Other names: short protein forms S1386F.
Identifiers: ClinVar variation 200039 (VCV000200039.3), dbSNP rs794728219, ClinGen allele CA014797.

ClinVar aggregate classification (germline): Uncertain significance. Review status: criteria provided, multiple submitters, no conflicts (2 of 4 stars). 2 submissions from 2 submitters: Uncertain significance (2). Last evaluated 2024-12-24.

Conditions:
Marfan syndrome (MFS). Also called: Marfan syndrome, classic; FBN1-Related Marfan Syndrome; Marfan syndrome type 1; Marfan's syndrome; MARFAN SYNDROME, TYPE I. Identifiers: Orphanet 284963, Orphanet 558, MedGen C0024796, MONDO:0007947, OMIM 154700.
Familial thoracic aortic aneurysm and aortic dissection (TAAD). Also called: Thoracic aortic aneurysms and dissections. Identifiers: Orphanet 91387, MedGen C4707243, MONDO:0019625.

Allele frequency attached by ClinVar (database versions not stated): gnomAD exomes 0.00001.
gnomAD v4.1: 8 of 1,614,096 alleles (0.0005%); highest among the groups gnomAD compares: Non-Finnish European, 0.00068%; no homozygotes.

Submissions (2):

Labcorp Genetics (formerly Invitae), Labcorp
Classification: Uncertain significance for Marfan syndrome; Familial thoracic aortic aneurysm and aortic dissection. Last evaluated: 2024-12-24. Review status: criteria provided, single submitter. Criteria: Invitae Variant Classification Sherloc (09022015). Collection method: clinical testing. Allele origin: germline.
Comment: This sequence change replaces serine, which is neutral and polar, with phenylalanine, which is neutral and non-polar, at codon 1386 of the FBN1 protein (p.Ser1386Phe). This variant is present in population databases (rs794728219, gnomAD 0.0009%). This variant has not been reported in the literature in individuals affected with FBN1-related conditions. ClinVar contains an entry for this variant (Variation ID: 200039). Invitae Evidence Modeling of protein sequence and biophysical properties (such as structural, functional, and spatial information, amino acid conservation, physicochemical variation, residue mobility, and thermodynamic stability) indicates that this missense variant is expected to disrupt FBN1 protein function with a positive predictive value of 95%. In summary, the available evidence is currently insufficient to determine the role of this variant in disease. Therefore, it has been classified as a Variant of Uncertain Significance.

Color Diagnostics, LLC DBA Color Health
Classification: Uncertain significance for Familial thoracic aortic aneurysm and aortic dissection. Last evaluated: 2021-02-18. Review status: criteria provided, single submitter. Criteria: ACMG Guidelines, 2015. Collection method: clinical testing. Allele origin: germline.
Comment: This missense variant replaces serine with phenylalanine at codon 1386 of the FBN1 protein. Computational prediction suggests that this variant may have deleterious impact on protein structure and function (internally defined REVEL score threshold >= 0.7, PMID: 27666373). To our knowledge, functional studies have not been reported for this variant. This variant has not been reported in individuals affected with cardiovascular disorders in the literature. This variant has been identified in 1/251324 chromosomes in the general population by the Genome Aggregation Database (gnomAD). The available evidence is insufficient to determine the role of this variant in disease conclusively. Therefore, this variant is classified as a Variant of Uncertain Significance.